The following is an entry in ClinVar:

ClinVar aggregate classification (germline): Likely benign (1 of 4 stars; one submission).

Submission:

CeGaT Center for Human Genetics Tuebingen
Classification: Likely benign. Last evaluated: 2023-11-01. Review status: criteria provided, single submitter. Criteria: CeGaT Center For Human Genetics Tuebingen Variant Classification Criteria Version 2. Collection method: clinical testing. Allele origin: germline. Affected: yes. Observed: 1 variant allele.
Comment: LMNB2: PM2:Supporting, BP4, BP7

NM_032737.4(LMNB2):c.1077G>A (p.Glu359=)

Gene: LMNB2 (lamin B2; minus strand). Cytogenetic location: 19p13.3.
Variant type: single nucleotide variant.
Coding change: c.1077G>A on transcript NM_032737.4 (MANE Select); coding-DNA position 1077, G replaced by A.
Protein change: p.Glu359=; no amino-acid change (glutamic acid 359 retained).
Molecular consequence: synonymous variant.
Genome position (GRCh38, 1-based): chr19:2,434,420, C>T on the plus strand (G>A on the coding strand, the complement: LMNB2 is on the minus strand). VCF-style: chr19-2434420-C-T. GRCh37 (hg19) VCF-style: chr19-2434418-C-T.
Identifiers: ClinVar variation 2672733 (VCV002672733.23), dbSNP rs2512235553, ClinGen allele CA505149065.